The following is an entry in ClinVar:

NM_000038.6(APC):c.258A>G (p.Lys86=)

Gene: APC (APC regulator of Wnt signaling pathway; plus strand). Cytogenetic location: 5q22.2.
Variant type: single nucleotide variant.
Coding change: c.258A>G on transcript NM_000038.6 (MANE Select); coding-DNA position 258, A replaced by G.
Protein change: p.Lys86=; no amino-acid change (lysine 86 retained).
Molecular consequence: synonymous variant. On other transcripts: 5 prime UTR variant (4), non-coding transcript variant (2).
Genome position (GRCh38, 1-based): chr5:112,767,226, A>G. VCF-style: chr5-112767226-A-G. GRCh37 (hg19) VCF-style: chr5-112102923-A-G.
Other names: c.258A>G (NM_000038.5); c.258A>G, p.Lys86= (NM_001127510.3, NM_001354895.2, NM_001354896.2 and 16 more transcripts); c.288A>G, p.Lys96= (NM_001127511.3, NM_001354897.2, NM_001354902.2 and 1 more transcripts); c.183A>G, p.Lys61= (NM_001354898.2, NM_001354904.2, NM_001407451.1); c.81A>G, p.Lys27= (NM_001354900.2, NM_001354901.2, NM_001354905.2 and 1 more transcripts); c.-778A>G (NM_001354906.2, NM_001407470.1, NM_001407471.1 and 1 more transcripts).
Identifiers: ClinVar variation 2795984 (VCV002795984.5), dbSNP rs2149787881, ClinGen allele CA445753142.
Genomic context (GRCh38, chr5:112,767,226, plus strand): 5'-AAACTTGTTTCTATTTTATTTAGAGCTTAACTTAGATAGCAGTAATTTCCCTGGAGTAAA[A>G]CTGCGGTCAAAAATGTCCCTCCGTTCTTATGGAAGCCGGGAAGGATCTGTATCAAGCCGT-3'
Protein context (NP_000029.2, residues 76-96): NLDSSNFPGV[Lys86=]LRSKMSLRSY

ClinVar aggregate classification (germline): Benign/Likely benign. Review status: criteria provided, multiple submitters, no conflicts (2 of 4 stars). 3 submissions from 3 submitters: Benign (1); Likely benign (2). Last evaluated 2025-06-19.

Conditions:
Hereditary cancer-predisposing syndrome. Also called: Hereditary Cancer Syndrome; Neoplastic Syndromes, Hereditary; Tumor predisposition; Hereditary neoplastic syndrome. Identifiers: Orphanet 140162, MedGen C0027672, MeSH D009386, MONDO:0015356.
Familial adenomatous polyposis 1 (FAP1). Also called: FAMILIAL ADENOMATOUS POLYPOSIS 1, ATTENUATED; POLYPOSIS, ADENOMATOUS INTESTINAL. Identifiers: MedGen C2713442, MONDO:0021056, OMIM 175100. Disease mechanism: loss of function.

Allele frequency attached by ClinVar (database versions not stated): gnomAD exomes below 0.00001.
gnomAD v4.1: 2 of 1,614,172 alleles (0.00012%); highest among the groups gnomAD compares: Non-Finnish European, 0.00017%; no homozygotes.

Submissions (3):

Ambry Genetics
Classification: Likely benign for Hereditary cancer-predisposing syndrome. Last evaluated: 2025-06-19. Review status: criteria provided, single submitter. Criteria: Ambry Variant Classification Scheme 2023. Collection method: clinical testing. Allele origin: germline.

Myriad Genetics, Inc.
Classification: Benign for Familial adenomatous polyposis 1. Last evaluated: 2024-02-22. Review status: criteria provided, single submitter. Criteria: Myriad Autosomal Dominant, Autosomal Recessive and X-Linked Classification Criteria (2023). Collection method: clinical testing. Allele origin: unknown.
Comment: This variant is considered benign. This variant is a silent/synonymous amino acid change and it is not expected to impact splicing.

Labcorp Genetics (formerly Invitae), Labcorp
Classification: Likely benign for Familial adenomatous polyposis 1. Last evaluated: 2023-09-19. Review status: criteria provided, single submitter. Criteria: Invitae Variant Classification Sherloc (09022015). Collection method: clinical testing. Allele origin: germline.